The following is an entry in ClinVar:

ClinVar aggregate classification (germline): Uncertain significance (1 of 4 stars; one submission).

Conditions:
Familial sleep-related hypermotor epilepsy. Also called: Autosomal Dominant Sleep-Related Hypermotor (Hyperkinetic) Epilepsy. Identifiers: Orphanet 98784, MedGen C3696898, MONDO:0000030.

Submission:

Labcorp Genetics (formerly Invitae), Labcorp
Classification: Uncertain significance. Last evaluated: 2019-09-18. Review status: criteria provided, single submitter. Criteria: Invitae Variant Classification Sherloc (09022015). Collection method: clinical testing. Allele origin: germline.
Comment: In summary, the available evidence is currently insufficient to determine the role of this variant in disease. Therefore, it has been classified as a Variant of Uncertain Significance. The current clinical and genetic evidence is not sufficient to establish whether loss-of-function variants in CHRNA4 cause disease. This variant has not been reported in the literature in individuals with CHRNA4-related conditions. This variant is not present in population databases (ExAC no frequency). This sequence change creates a premature translational stop signal (p.Ala379Glyfs*31) in the CHRNA4 gene. It is expected to result in an absent or disrupted protein product.

NM_000744.7(CHRNA4):c.1136_1158del (p.Ala379fs)

Gene: CHRNA4 (cholinergic receptor nicotinic alpha 4 subunit; minus strand). Cytogenetic location: 20q13.33.
Variant type: Deletion.
Coding change: c.1136_1158del on transcript NM_000744.7 (MANE Select); coding-DNA positions 1136 to 1158, 23 bases deleted (CCAGTGCCCCGCGCTTCTGGCCC).
Protein change: p.Ala379fs; shifts the reading frame from alanine 379.
Molecular consequence: frameshift variant. On other transcripts: non-coding transcript variant (1).
Genome position (GRCh38, 1-based): chr20:63,350,253-63,350,275, GGGCCAGAAGCGCGGGGCACTGG deleted on the plus strand (CCAGTGCCCCGCGCTTCTGGCCC on the coding strand, the reverse complement: CHRNA4 is on the minus strand). VCF-style (leftmost placement, unchanged base first): chr20-63350252-CGGGCCAGAAGCGCGGGGCACTGG-C. GRCh37 (hg19) VCF-style: chr20-61981604-CGGGCCAGAAGCGCGGGGCACTGG-C.
Other names: c.608_630del, p.Ala203fs (NM_001256573.2); short protein forms A203fs, A379fs.
Identifiers: ClinVar variation 940830 (VCV000940830.7), dbSNP rs2068568636, ClinGen allele CA1139666784.